The following is an entry in ClinVar:

NM_013275.6(ANKRD11):c.2036C>G (p.Ser679Cys)

Gene: ANKRD11 (ankyrin repeat domain 11; minus strand). Cytogenetic location: 16q24.3.
Variant type: single nucleotide variant.
Coding change: c.2036C>G on transcript NM_013275.6 (MANE Select); coding-DNA position 2036, C replaced by G.
Protein change: p.Ser679Cys; replaces serine 679 with cysteine.
Molecular consequence: missense variant.
Genome position (GRCh38, 1-based): chr16:89,284,506, G>C on the plus strand (C>G on the coding strand, the complement: ANKRD11 is on the minus strand). VCF-style: chr16-89284506-G-C. GRCh37 (hg19) VCF-style: chr16-89350914-G-C.
Other names: c.2036C>G, p.Ser679Cys (NM_001256182.2, NM_001256183.2); short protein forms S679C.
Identifiers: ClinVar variation 2805984 (VCV002805984.3), dbSNP rs2544242745, ClinGen allele CA397163347.

ClinVar aggregate classification (germline): Uncertain significance (1 of 4 stars; one submission).

Conditions:
KBG syndrome (KBGS). Also called: ANKRD11-Related KBG Syndrome. Identifiers: Orphanet 2332, MedGen C0220687, MONDO:0007846, OMIM 148050.

Submission:

Labcorp Genetics (formerly Invitae), Labcorp
Classification: Uncertain significance for KBG syndrome. Last evaluated: 2024-09-30. Review status: criteria provided, single submitter. Criteria: Invitae Variant Classification Sherloc (09022015). Collection method: clinical testing. Allele origin: germline.
Comment: This sequence change replaces serine, which is neutral and polar, with cysteine, which is neutral and slightly polar, at codon 679 of the ANKRD11 protein (p.Ser679Cys). This variant is not present in population databases (gnomAD no frequency). This variant has not been reported in the literature in individuals affected with ANKRD11-related conditions. Invitae Evidence Modeling of protein sequence and biophysical properties (such as structural, functional, and spatial information, amino acid conservation, physicochemical variation, residue mobility, and thermodynamic stability) indicates that this missense variant is not expected to disrupt ANKRD11 protein function with a negative predictive value of 95%. In summary, the available evidence is currently insufficient to determine the role of this variant in disease. Therefore, it has been classified as a Variant of Uncertain Significance.